The following is an entry in ClinVar:

ClinVar aggregate classification (germline): Benign/Likely benign. Review status: criteria provided, multiple submitters, no conflicts (2 of 4 stars). 3 submissions from 3 submitters: Benign (1); Likely benign (2). Last evaluated 2024-02-22.

Conditions:
Hereditary cancer-predisposing syndrome. Also called: Hereditary neoplastic syndrome; Hereditary Cancer Syndrome; Neoplastic Syndromes, Hereditary; Tumor predisposition. Identifiers: Orphanet 140162, MedGen C0027672, MeSH D009386, MONDO:0015356.
Familial adenomatous polyposis 1 (FAP1). Also called: POLYPOSIS, ADENOMATOUS INTESTINAL; FAMILIAL ADENOMATOUS POLYPOSIS 1, ATTENUATED. Identifiers: MedGen C2713442, MONDO:0021056, OMIM 175100. Disease mechanism: loss of function.

Submissions (3):

Myriad Genetics, Inc.
Classification: Benign for Familial adenomatous polyposis 1. Last evaluated: 2024-02-22. Review status: criteria provided, single submitter. Criteria: Myriad Autosomal Dominant, Autosomal Recessive and X-Linked Classification Criteria (2023). Collection method: clinical testing. Allele origin: unknown.
Comment: This variant is considered benign. This variant is a silent/synonymous amino acid change and it is not expected to impact splicing.

Ambry Genetics
Classification: Likely benign for Hereditary cancer-predisposing syndrome. Last evaluated: 2023-06-05. Review status: criteria provided, single submitter. Criteria: Ambry Variant Classification Scheme 2023. Collection method: clinical testing. Allele origin: germline.

Labcorp Genetics (formerly Invitae), Labcorp
Classification: Likely benign for Familial adenomatous polyposis 1. Last evaluated: 2023-05-20. Review status: criteria provided, single submitter. Criteria: Invitae Variant Classification Sherloc (09022015). Collection method: clinical testing. Allele origin: germline.

NM_000038.6(APC):c.186T>A (p.Ser62=)

Gene: APC (APC regulator of Wnt signaling pathway; plus strand). Cytogenetic location: 5q22.2.
Variant type: single nucleotide variant.
Coding change: c.186T>A on transcript NM_000038.6 (MANE Select); coding-DNA position 186, T replaced by A.
Protein change: p.Ser62=; no amino-acid change (serine 62 retained).
Molecular consequence: synonymous variant. On other transcripts: 5 prime UTR variant (4), non-coding transcript variant (2).
Genome position (GRCh38, 1-based): chr5:112,766,376, T>A. VCF-style: chr5-112766376-T-A. GRCh37 (hg19) VCF-style: chr5-112102073-T-A.
Other names: c.186T>A, p.Ser62= (NM_001127510.3, NM_001354895.2, NM_001354896.2 and 16 more transcripts); c.216T>A, p.Ser72= (NM_001127511.3, NM_001354897.2, NM_001354902.2 and 1 more transcripts); c.111T>A, p.Ser37= (NM_001354898.2, NM_001354904.2, NM_001407451.1); c.9T>A, p.Ser3= (NM_001354900.2, NM_001354901.2, NM_001354905.2 and 1 more transcripts); c.-850T>A (NM_001354906.2, NM_001407470.1, NM_001407471.1 and 1 more transcripts).
Identifiers: ClinVar variation 2567063 (VCV002567063.5), dbSNP rs2532273362, ClinGen allele CA445753003.